The following is an entry in ClinVar:

ClinVar aggregate classification (germline): Uncertain significance (1 of 4 stars; one submission).

Conditions:
Cystic fibrosis (CF). Also called: MUCOVISCIDOSIS. Identifiers: Orphanet 586, MedGen C0010674, MONDO:0009061, OMIM 219700. Disease mechanism: loss of function.

Submission:

Ambry Genetics
Classification: Uncertain significance for Cystic fibrosis. Last evaluated: 2026-06-16. Review status: criteria provided, single submitter. Criteria: Ambry Variant Classification Scheme 2023. Collection method: clinical testing. Allele origin: germline.
Comment: The p.F1110V variant (also known as c.3328T>G), located in coding exon 20 of the CFTR gene, results from a T to G substitution at nucleotide position 3328. The phenylalanine at codon 1110 is replaced by valine, an amino acid with highly similar properties. This amino acid position is conserved. In addition, this alteration is predicted to be deleterious by in silico analysis. Based on the available evidence, the clinical significance of this variant remains unclear.

NM_000492.4(CFTR):c.3328T>G (p.Phe1110Val)

Genes: CFTR (CF transmembrane conductance regulator; plus strand), CFTR-AS2 (CFTR antisense RNA 2; minus strand), LOC111674472 (DNase I hypersensitive sites in introns 16 and 17a of CFTR; plus strand). Cytogenetic location: 7q31.2.
Variant type: single nucleotide variant.
Coding change: c.3328T>G on transcript NM_000492.4 (MANE Select); coding-DNA position 3328, T replaced by G.
Protein change: p.Phe1110Val; replaces phenylalanine 1110 with valine.
Molecular consequence: missense variant.
Genome position (GRCh38, 1-based): chr7:117,611,769, T>G. VCF-style: chr7-117611769-T-G. GRCh37 (hg19) VCF-style: chr7-117251823-T-G.
Other names: short protein forms F1110V.
Identifiers: ClinVar variation 5034425 (VCV005034425.1).
Genomic context (GRCh38, chr7:117,611,769, plus strand): 5'-TTCTTGTACCTGTCAACACTGCGCTGGTTCCAAATGAGAATAGAAATGATTTTTGTCATC[T>G]TCTTCATTGCTGTTACCTTCATTTCCATTTTAACAACAGGTACTATGAACTCATTAACTT-3'
Protein context (NP_000483.3, residues 1100-1120): QMRIEMIFVI[Phe1110Val]FIAVTFISIL